The following is an entry in ClinVar:

NM_000070.3(CAPN3):c.626dup (p.Tyr209Ter)

Gene: CAPN3 (calpain 3; plus strand). Cytogenetic location: 15q15.1.
Variant type: Duplication.
Coding change: c.626dup on transcript NM_000070.3 (MANE Select); coding-DNA position 626, one base duplicated (A; older notation c.626dupA).
Protein change: p.Tyr209Ter; replaces tyrosine 209 with a stop codon.
Molecular consequence: nonsense. On other transcripts: frameshift variant (1).
Genome position (GRCh38, 1-based): chr15:42,387,880, A duplicated. VCF-style (leftmost placement, unchanged base first): chr15-42387879-T-TA. GRCh37 (hg19) VCF-style: chr15-42680077-T-TA.
Other names: c.626dup, p.Tyr209Ter (NM_024344.2, NM_173087.2); c.365dup, p.Tyr122Terfs (NM_212464.2); c.*319dup (NM_212467.2); short protein forms Y209*.
Identifiers: ClinVar variation 2017153 (VCV002017153.4), dbSNP rs2548258180, ClinGen allele CA2580089527.

ClinVar aggregate classification (germline): Pathogenic (1 of 4 stars; one submission).

Conditions:
Autosomal recessive limb-girdle muscular dystrophy type 2A (LGMDR1). Also called: Muscular dystrophy, limb-girdle, type 2A, Amish; LEYDEN-MOEBIUS MUSCULAR DYSTROPHY; MUSCULAR DYSTROPHY, PELVOFEMORAL; Limb-girdle muscular dystrophy, type 2A; Calpainopathy. Identifiers: Orphanet 267, MedGen C1869123, MONDO:0009675, OMIM 253600. Disease mechanism: loss of function.

Submission:

Labcorp Genetics (formerly Invitae), Labcorp
Classification: Pathogenic for Autosomal recessive limb-girdle muscular dystrophy type 2A. Last evaluated: 2022-10-28. Review status: criteria provided, single submitter. Criteria: Invitae Variant Classification Sherloc (09022015). Collection method: clinical testing. Allele origin: germline.
Comment: This variant has not been reported in the literature in individuals affected with CAPN3-related conditions. For these reasons, this variant has been classified as Pathogenic. This variant is not present in population databases (gnomAD no frequency). This sequence change creates a premature translational stop signal (p.Tyr209*) in the CAPN3 gene. It is expected to result in an absent or disrupted protein product. Loss-of-function variants in CAPN3 are known to be pathogenic (PMID: 10330340, 15689361).

Literature cited by the submitters: PubMed 10330340; PubMed 15689361.